The following is an entry in ClinVar:

ClinVar aggregate classification (germline): Uncertain significance (1 of 4 stars; one submission).

Conditions:
ERBIN-related disorder. Also called: ERBIN-related condition.

Submission:

PreventionGenetics, part of Exact Sciences
Classification: Uncertain significance for ERBIN-related condition. Last evaluated: 2026-08-26. Review status: criteria provided, single submitter. Criteria: ACMG Guidelines, 2015. Collection method: clinical testing. Allele origin: germline.
Comment: The ERBIN c.3357G>A variant is predicted to result in the amino acid substitution p.Met1119Ile. To our knowledge, this variant has not been reported in the literature or in a large population database (gnomAD), indicating this variant is rare. At this time, the clinical significance of this variant is uncertain due to the absence of conclusive functional and genetic evidence.

NM_001253697.2(ERBIN):c.3357G>A (p.Met1119Ile)

Gene: ERBIN (erbb2 interacting protein; plus strand). Cytogenetic location: 5q12.3.
Variant type: single nucleotide variant.
Coding change: c.3357G>A on transcript NM_001253697.2 (MANE Select); coding-DNA position 3357, G replaced by A.
Protein change: p.Met1119Ile; replaces methionine 1119 with isoleucine.
Molecular consequence: missense variant.
Genome position (GRCh38, 1-based): chr5:66,054,675, G>A. VCF-style: chr5-66054675-G-A. GRCh37 (hg19) VCF-style: chr5-65350503-G-A.
Other names: c.3357G>A, p.Met1119Ile (NM_001006600.3, NM_001253698.2, NM_001253699.2 and 1 more transcripts); c.3345G>A, p.Met1115Ile (NM_001253701.2); short protein forms M1115I, M1119I.
Identifiers: ClinVar variation 4989547 (VCV004989547.1).